The following is an entry in ClinVar:

NM_004974.4(KCNA2):c.356G>A (p.Gly119Glu)

Gene: KCNA2 (potassium voltage-gated channel subfamily A member 2; minus strand). Cytogenetic location: 1p13.3.
Variant type: single nucleotide variant.
Coding change: c.356G>A on transcript NM_004974.4 (MANE Select); coding-DNA position 356, G replaced by A.
Protein change: p.Gly119Glu; replaces glycine 119 with glutamic acid.
Molecular consequence: missense variant.
Genome position (GRCh38, 1-based): chr1:110,604,427, C>T on the plus strand (G>A on the coding strand, the complement: KCNA2 is on the minus strand). VCF-style: chr1-110604427-C-T. GRCh37 (hg19) VCF-style: chr1-111147049-C-T.
Other names: c.356G>A, p.Gly119Glu (NM_001204269.2); short protein forms G119E.
Identifiers: ClinVar variation 2866109 (VCV002866109.3), dbSNP rs201189661, ClinGen allele CA341605766.

ClinVar aggregate classification (germline): Uncertain significance (1 of 4 stars; one submission).

Conditions:
Developmental and epileptic encephalopathy, 32 (DEE32). Also called: Epileptic encephalopathy, early infantile, 32. Identifiers: Orphanet 442835, MedGen C4225350, MONDO:0014607, OMIM 616366.

gnomAD v4.1: 1 of 1,614,194 alleles (0.000062%); highest among the groups gnomAD compares: Non-Finnish European, 0.000085%; no homozygotes.

Submission:

Labcorp Genetics (formerly Invitae), Labcorp
Classification: Uncertain significance for Developmental and epileptic encephalopathy, 32. Last evaluated: 2023-05-20. Review status: criteria provided, single submitter. Criteria: Invitae Variant Classification Sherloc (09022015). Collection method: clinical testing. Allele origin: germline.
Comment: In summary, the available evidence is currently insufficient to determine the role of this variant in disease. Therefore, it has been classified as a Variant of Uncertain Significance. Advanced modeling of protein sequence and biophysical properties (such as structural, functional, and spatial information, amino acid conservation, physicochemical variation, residue mobility, and thermodynamic stability) performed at Invitae indicates that this missense variant is not expected to disrupt KCNA2 protein function. This variant has not been reported in the literature in individuals affected with KCNA2-related conditions. This variant is not present in population databases (gnomAD no frequency). This sequence change replaces glycine, which is neutral and non-polar, with glutamic acid, which is acidic and polar, at codon 119 of the KCNA2 protein (p.Gly119Glu).